The following is an entry in ClinVar:

NM_024753.5(TTC21B):c.2549C>T (p.Ala850Val)

Gene: TTC21B (tetratricopeptide repeat domain 21B; minus strand). Cytogenetic location: 2q24.3.
Variant type: single nucleotide variant.
Coding change: c.2549C>T on transcript NM_024753.5 (MANE Select); coding-DNA position 2549, C replaced by T.
Protein change: p.Ala850Val; replaces alanine 850 with valine.
Molecular consequence: missense variant.
Genome position (GRCh38, 1-based): chr2:165,907,697, G>A on the plus strand (C>T on the coding strand, the complement: TTC21B is on the minus strand). VCF-style: chr2-165907697-G-A. GRCh37 (hg19) VCF-style: chr2-166764207-G-A.
Other names: c.2549C>T (NM_024753.3); short protein forms A850V.
Identifiers: ClinVar variation 1314569 (VCV001314569.10), dbSNP rs199795649, ClinGen allele CA1941805.
Genomic context (GRCh38, chr2:165,907,697, plus strand): 5'-TCTCCTACCTCATGACCACACTCACAGACAAATGTGTTTACCTGTTGTAATGCAGTGATC[G>A]CATCACCAAGTTTTTCCATTTTACTATAAACTTTTGCTAGAAGAACTTGACAACGTCCAT-3'
Protein context (NP_079029.3, residues 840-860): VYSKMEKLGD[Ala850Val]ITALQQAREL

ClinVar aggregate classification (germline): Uncertain significance. Review status: criteria provided, multiple submitters, no conflicts (2 of 4 stars). 5 submissions from 5 submitters: Uncertain significance (5). Last evaluated 2026-02-06.

Conditions:
Nephronophthisis. Also called: Juvenile Nephronophthisis. Identifiers: Orphanet 655, MedGen C0687120, MONDO:0019005, HP:0000090.
Jeune thoracic dystrophy. Also called: Infantile thoracic dystrophy; Thoracic pelvic phalangeal dystrophy; Jeune's syndrome; Chondroectodermal dysplasia-like syndrome; Jeune syndrome; Short-rib thoracic dysplasia. Identifiers: Orphanet 474, MedGen C0265275, MONDO:0018770.
Inborn genetic diseases. Identifiers: MedGen C0950123, MeSH D030342.
Nephronophthisis 12 (NPHP12). Identifiers: Orphanet 655, MedGen C3151186, MONDO:0013442, OMIM 613820.
Asphyxiating thoracic dystrophy 4 (SRTD4). Also called: SHORT-RIB THORACIC DYSPLASIA 4; SHORT-RIB THORACIC DYSPLASIA 4 WITH OR WITHOUT POLYDACTYLY. Identifiers: Orphanet 474, MedGen C3151185, MONDO:0013441, OMIM 613819.
TTC21B-related disorder. Also called: TTC21B-related condition; TTC21B-related disorders.

Allele frequency attached by ClinVar (database versions not stated): gnomAD exomes 0.00002 and 0.00007; ExAC 0.00010; gnomAD 0.00017; TOPMed 0.00024; 1000 Genomes Project 0.00040; 1000 Genomes Project 30x 0.00047.
gnomAD v4.1: 62 of 1,610,684 alleles (0.0038%); highest among the groups gnomAD compares: Admixed American, 0.042%; no homozygotes.

Submissions (5):

PreventionGenetics, part of Exact Sciences
Classification: Uncertain significance for TTC21B-related condition. Last evaluated: 2026-02-06. Review status: criteria provided, single submitter. Criteria: ACMG Guidelines, 2015. Collection method: clinical testing. Allele origin: germline.
Comment: The TTC21B c.2549C>T variant is predicted to result in the amino acid substitution p.Ala850Val. To our knowledge, this variant has not been reported in the literature. This variant is reported in 0.020% of alleles in individuals of African descent in gnomAD. At this time, the clinical significance of this variant is uncertain due to the absence of conclusive functional and genetic evidence.

Labcorp Genetics (formerly Invitae), Labcorp
Classification: Uncertain significance for Jeune thoracic dystrophy; Nephronophthisis. Last evaluated: 2024-12-02. Review status: criteria provided, single submitter. Criteria: Invitae Variant Classification Sherloc (09022015). Collection method: clinical testing. Allele origin: germline.
Comment: This sequence change replaces alanine, which is neutral and non-polar, with valine, which is neutral and non-polar, at codon 850 of the TTC21B protein (p.Ala850Val). This variant is present in population databases (rs199795649, gnomAD 0.02%). This variant has not been reported in the literature in individuals affected with TTC21B-related conditions. ClinVar contains an entry for this variant (Variation ID: 1314569). Invitae Evidence Modeling of protein sequence and biophysical properties (such as structural, functional, and spatial information, amino acid conservation, physicochemical variation, residue mobility, and thermodynamic stability) indicates that this missense variant is not expected to disrupt TTC21B protein function with a negative predictive value of 95%. In summary, the available evidence is currently insufficient to determine the role of this variant in disease. Therefore, it has been classified as a Variant of Uncertain Significance.

Ambry Genetics
Classification: Uncertain significance for Inborn genetic diseases. Last evaluated: 2024-11-29. Review status: criteria provided, single submitter. Criteria: Ambry Variant Classification Scheme 2023. Collection method: clinical testing. Allele origin: germline.

Fulgent Genetics
Classification: Uncertain significance for Asphyxiating thoracic dystrophy 4; Nephronophthisis 12. Last evaluated: 2024-04-25. Review status: criteria provided, single submitter. Criteria: ACMG Guidelines, 2015. Collection method: clinical testing. Allele origin: germline.

GeneDx
Classification: Uncertain significance. Last evaluated: 2021-04-02. Review status: criteria provided, single submitter. Criteria: GeneDx Variant Classification Process June 2021. Collection method: clinical testing. Allele origin: germline. Affected: yes.
Comment: In silico analysis supports that this missense variant does not alter protein structure/function; Has not been previously published as pathogenic or benign to our knowledge